The following is an entry in ClinVar:

ClinVar aggregate classification (germline): Pathogenic (1 of 4 stars; one submission).

Conditions:
Osteogenesis imperfecta type I (OI1). Also called: Osteogenesis imperfecta type 1; Classic Non-deforming Osteogenesis Imperfecta with Blue Sclerae; Lobstein disease; OI, TYPE I; OSTEOGENESIS IMPERFECTA TARDA; OSTEOGENESIS IMPERFECTA WITH BLUE SCLERAE. Identifiers: Orphanet 216796, Orphanet 666, MedGen C0023931, MONDO:0008146, OMIM 166200. Disease mechanism: loss of function.

Submission:

Labcorp Genetics (formerly Invitae), Labcorp
Classification: Pathogenic for Osteogenesis imperfecta type I. Last evaluated: 2022-07-09. Review status: criteria provided, single submitter. Criteria: Invitae Variant Classification Sherloc (09022015). Collection method: clinical testing. Allele origin: germline.
Comment: This sequence change creates a premature translational stop signal (p.Pro1044Leufs*66) in the COL1A1 gene. It is expected to result in an absent or disrupted protein product. Loss-of-function variants in COL1A1 are known to be pathogenic (PMID: 7942841, 9295084, 9443882). This variant is not present in population databases (gnomAD no frequency). This variant has not been reported in the literature in individuals affected with COL1A1-related conditions. For these reasons, this variant has been classified as Pathogenic.

Literature cited by the submitters: PubMed 7942841; PubMed 9295084; PubMed 9443882.

NM_000088.4(COL1A1):c.3126_3130dup (p.Pro1044fs)

Gene: COL1A1 (collagen type I alpha 1 chain; minus strand). Cytogenetic location: 17q21.33.
Variant type: Duplication.
Coding change: c.3126_3130dup on transcript NM_000088.4 (MANE Select); coding-DNA positions 3126 to 3130, 5 bases duplicated (TGGAC; older notation c.3126_3130dupTGGAC).
Protein change: p.Pro1044fs; shifts the reading frame from proline 1044.
Molecular consequence: frameshift variant.
Genome position (GRCh38, 1-based): chr17:50,188,607-50,188,611, GTCCA duplicated on the plus strand (TGGAC on the coding strand, the reverse complement: COL1A1 is on the minus strand); duplicating any 5 consecutive bases within chr17:50,188,607-50,188,612 gives the same sequence; the c. name uses the placement nearest the transcript's 3' end. VCF-style (leftmost placement, unchanged base first): chr17-50188606-G-GGTCCA. GRCh37 (hg19) VCF-style: chr17-48265967-G-GGTCCA.
Other names: short protein forms P1044fs.
Identifiers: ClinVar variation 2015312 (VCV002015312.4), dbSNP rs2509177625, ClinGen allele CA2580094229.